The following is an entry in ClinVar:

ClinVar aggregate classification (germline): Uncertain significance (1 of 4 stars; one submission).

Conditions:
Intellectual disability, autosomal recessive 53 (NEDHSCA). Also called: NEURODEVELOPMENTAL DISORDER WITH OR WITHOUT HYPOTONIA, SEIZURES, AND CEREBELLAR ATROPHY; GLYCOSYLPHOSPHATIDYLINOSITOL BIOSYNTHESIS DEFECT 13; Mental retardation, autosomal recessive 53. Identifiers: Orphanet 488635, MedGen C4310794, MONDO:0014832, OMIM 616917.

Allele frequency attached by ClinVar (database versions not stated): gnomAD exomes below 0.00001.
gnomAD v4.1: 3 of 1,614,156 alleles (0.00019%); highest among the groups gnomAD compares: Non-Finnish European, 0.00025%; no homozygotes.

Submission:

Labcorp Genetics (formerly Invitae), Labcorp
Classification: Uncertain significance for Intellectual disability, autosomal recessive 53. Last evaluated: 2021-02-26. Review status: criteria provided, single submitter. Criteria: Invitae Variant Classification Sherloc (09022015). Collection method: clinical testing. Allele origin: germline.
Comment: This variant has not been reported in the literature in individuals with PIGG-related conditions. In summary, the available evidence is currently insufficient to determine the role of this variant in disease. Therefore, it has been classified as a Variant of Uncertain Significance. Algorithms developed to predict the effect of missense changes on protein structure and function output the following: SIFT: "Tolerated"; PolyPhen-2: "Benign"; Align-GVGD: "Class C0". The arginine amino acid residue is found in multiple mammalian species, suggesting that this missense change does not adversely affect protein function. These predictions have not been confirmed by published functional studies and their clinical significance is uncertain. This variant is not present in population databases (ExAC no frequency). This sequence change replaces glutamine with arginine at codon 426 of the PIGG protein (p.Gln426Arg). The glutamine residue is moderately conserved and there is a small physicochemical difference between glutamine and arginine.

NM_001127178.3(PIGG):c.1277A>G (p.Gln426Arg)

Gene: PIGG (phosphatidylinositol glycan anchor biosynthesis class G (EMM blood group); plus strand). Cytogenetic location: 4p16.3.
Variant type: single nucleotide variant.
Coding change: c.1277A>G on transcript NM_001127178.3 (MANE Select); coding-DNA position 1277, A replaced by G.
Protein change: p.Gln426Arg; replaces glutamine 426 with arginine.
Molecular consequence: missense variant. On other transcripts: 5 prime UTR variant (2), non-coding transcript variant (10), intron variant (1).
Genome position (GRCh38, 1-based): chr4:521,218, A>G. VCF-style: chr4-521218-A-G. GRCh37 (hg19) VCF-style: chr4-515007-A-G.
Other names: c.1010A>G, p.Gln337Arg (NM_001289051.2, NM_001289053.2, NM_001345986.2 and 1 more transcripts); c.878A>G, p.Gln293Arg (NM_001289052.2); c.911A>G, p.Gln304Arg (NM_001289055.2); c.248A>G, p.Gln83Arg (NM_001345988.2); c.1277A>G, p.Gln426Arg (NM_001345989.2, NM_017733.5); c.-211A>G (NM_001345990.2, NM_001345991.2); c.203A>G, p.Gln68Arg (NM_001345994.2); c.848-442A>G (NM_001289057.2); short protein forms Q293R, Q304R, Q337R, Q68R, Q83R, Q426R.
Identifiers: ClinVar variation 1443478 (VCV001443478.6), dbSNP rs2108941430, ClinGen allele CA355904080.